The following is an entry in ClinVar:

ClinVar aggregate classification (germline): Uncertain significance (1 of 4 stars; one submission).

Submission:

GeneDx
Classification: Uncertain significance. Last evaluated: 2025-03-03. Review status: criteria provided, single submitter. Criteria: GeneDx Variant Classification Process June 2021. Collection method: clinical testing. Allele origin: germline. Affected: yes.
Comment: Not observed at significant frequency in large population cohorts (gnomAD); In silico analysis supports that this missense variant has a deleterious effect on protein structure/function; Has not been previously published as pathogenic or benign to our knowledge

NM_002156.5(HSPD1):c.131T>C (p.Val44Ala)

Gene: HSPD1 (heat shock protein family D (Hsp60) member 1; minus strand). Cytogenetic location: 2q33.1.
Variant type: single nucleotide variant.
Coding change: c.131T>C on transcript NM_002156.5 (MANE Select); coding-DNA position 131, T replaced by C.
Protein change: p.Val44Ala; replaces valine 44 with alanine.
Molecular consequence: missense variant.
Genome position (GRCh38, 1-based): chr2:197,498,718, A>G on the plus strand (T>C on the coding strand, the complement: HSPD1 is on the minus strand). VCF-style: chr2-197498718-A-G. GRCh37 (hg19) VCF-style: chr2-198363442-A-G.
Other names: c.131T>C, p.Val44Ala (NM_199440.2); short protein forms V44A.
Identifiers: ClinVar variation 4082841 (VCV004082841.1).